The following is an entry in ClinVar:

ClinVar aggregate classification (germline): Uncertain significance (1 of 4 stars; one submission).

Submission:

Ambry Genetics
Classification: Uncertain significance. Last evaluated: 2025-12-26. Review status: criteria provided, single submitter. Criteria: Ambry Variant Classification Scheme 2023. Collection method: clinical testing. Allele origin: germline.
Comment: The p.R18P variant (also known as c.53G>C), located in coding exon 1 of the KIF1B gene, results from a G to C substitution at nucleotide position 53. The arginine at codon 18 is replaced by proline, an amino acid with dissimilar properties. This amino acid position is conserved. In addition, this alteration is predicted to be deleterious by in silico analysis. Based on the available evidence, the clinical significance of this variant remains unclear.

NM_001365951.3(KIF1B):c.53G>C (p.Arg18Pro)

Genes: KIF1B (kinesin family member 1B; plus strand), LOC129388446 (MPRA-validated peak64 silencer; plus strand). Cytogenetic location: 1p36.22.
Variant type: single nucleotide variant.
Coding change: c.53G>C on transcript NM_001365951.3 (MANE Select); coding-DNA position 53, G replaced by C.
Protein change: p.Arg18Pro; replaces arginine 18 with proline.
Molecular consequence: missense variant.
Genome position (GRCh38, 1-based): chr1:10,232,381, G>C. VCF-style: chr1-10232381-G-C. GRCh37 (hg19) VCF-style: chr1-10292439-G-C.
Other names: c.53G>C, p.Arg18Pro (NM_001365952.1, NM_001365953.1, NM_015074.3 and 1 more transcripts); short protein forms R18P.
Identifiers: ClinVar variation 4844581 (VCV004844581.1).